The following is an entry in ClinVar:

NM_015192.4(PLCB1):c.3202T>C (p.Leu1068=)

Gene: PLCB1 (phospholipase C beta 1; plus strand). Cytogenetic location: 20p12.3.
Variant type: single nucleotide variant.
Coding change: c.3202T>C on transcript NM_015192.4 (MANE Select); coding-DNA position 3202, T replaced by C.
Protein change: p.Leu1068=; no amino-acid change (leucine 1068 retained).
Molecular consequence: synonymous variant.
Genome position (GRCh38, 1-based): chr20:8,788,646, T>C. VCF-style: chr20-8788646-T-C. GRCh37 (hg19) VCF-style: chr20-8769293-T-C.
Other names: c.3202T>C, p.Leu1068= (NM_182734.3).
Identifiers: ClinVar variation 129913 (VCV000129913.27), dbSNP rs41275588, ClinGen allele CA154286.
Genomic context (GRCh38, chr20:8,788,646, plus strand): 5'-CATCTGATTTGCCTCTTTTTTCTCTTTTACTTCCATTGTGACTTCAGAGAAAAGAAAGAA[T>C]TAAAGAAGAAAATGGATAAAAAGAGGCAGGAGAAGATAACAGAAGCTAAATCCAAAGACA-3'
Protein context (NP_056007.1, residues 1058-1078): KEICEKEKKE[Leu1068=]KKKMDKKRQE

ClinVar aggregate classification (germline): Benign. Review status: criteria provided, multiple submitters, no conflicts (2 of 4 stars). 8 submissions from 8 submitters: Benign (8). Last evaluated 2026-02-03.

Conditions:
Inborn genetic diseases. Identifiers: MedGen C0950123, MeSH D030342.
Developmental and epileptic encephalopathy, 12 (DEE12). Identifiers: MedGen C3150988, MONDO:0013389, OMIM 613722.

Allele frequency attached by ClinVar (database versions not stated): gnomAD exomes 0.00299 and 0.00777; ExAC 0.01088; gnomAD 0.03068 and 0.03299; 1000 Genomes Project 0.03235; ESP Exome Variant Server 0.03260; TOPMed 0.03379; 1000 Genomes Project 30x 0.03451.
gnomAD v4.1: 9,242 of 1,608,698 alleles (0.57%); highest among the groups gnomAD compares: African/African-American, 11%; 411 homozygotes.

Submissions (8):

Labcorp Genetics (formerly Invitae), Labcorp
Classification: Benign for Developmental and epileptic encephalopathy, 12. Last evaluated: 2026-02-03. Review status: criteria provided, single submitter. Criteria: Invitae Variant Classification Sherloc (09022015). Collection method: clinical testing. Allele origin: germline.

GeneDx
Classification: Benign. Last evaluated: 2020-11-30. Review status: criteria provided, single submitter. Criteria: GeneDx Variant Classification Process June 2021. Collection method: clinical testing. Allele origin: germline. Affected: yes.

Illumina Laboratory Services, Illumina
Classification: Benign for Developmental and epileptic encephalopathy, 12. Last evaluated: 2018-01-13. Review status: criteria provided, single submitter. Criteria: ICSL Variant Classification Criteria 13 December 2019. Collection method: clinical testing. Allele origin: germline.
Comment: This variant was observed in the ICSL laboratory as part of a predisposition screen in an ostensibly healthy population. It had not been previously curated by ICSL or reported in the Human Gene Mutation Database (HGMD: prior to June 1st, 2018), and was therefore a candidate for classification through an automated scoring system. Utilizing variant allele frequency, disease prevalence and penetrance estimates, and inheritance mode, an automated score was calculated to assess if this variant is too frequent to cause the disease. Based on the score and internal cut-off values, a variant classified as benign is not then subjected to further curation. The score for this variant resulted in a classification of benign for this disease.

Athena Diagnostics
Classification: Benign. Last evaluated: 2017-06-23. Review status: criteria provided, single submitter. Criteria: Athena Diagnostics Criteria. Collection method: clinical testing. Allele origin: germline.

Ambry Genetics
Classification: Benign for Inborn genetic diseases. Last evaluated: 2016-03-21. Review status: criteria provided, single submitter. Criteria: Ambry Variant Classification Scheme 2023. Collection method: clinical testing. Allele origin: germline.

Genetic Services Laboratory, University of Chicago
Classification: Benign for AllHighlyPenetrant. Last evaluated: 2013-03-18. Review status: criteria provided, single submitter. Criteria: ACMG Guidelines, 2007. Collection method: clinical testing. Allele origin: germline. Inheritance: Autosomal recessive inheritance.

Breakthrough Genomics
Classification: Benign. Review status: criteria provided, single submitter. Criteria: ACMG Guidelines, 2015. Collection method: not provided. Allele origin: germline. Inheritance: Autosomal recessive inheritance. Affected: yes.

PreventionGenetics, part of Exact Sciences
Classification: Benign. Review status: criteria provided, single submitter. Criteria: ACMG Guidelines, 2015. Collection method: clinical testing. Allele origin: germline.